The following is an entry in ClinVar:

NM_000051.4(ATM):c.601C>T (p.Gln201Ter)

Gene: ATM (ATM serine/threonine kinase; plus strand). Cytogenetic location: 11q22.3.
Variant type: single nucleotide variant.
Coding change: c.601C>T on transcript NM_000051.4 (MANE Select); coding-DNA position 601, C replaced by T.
Protein change: p.Gln201Ter; replaces glutamine 201 with a stop codon.
Molecular consequence: nonsense.
Genome position (GRCh38, 1-based): chr11:108,244,057, C>T. VCF-style: chr11-108244057-C-T. GRCh37 (hg19) VCF-style: chr11-108114784-C-T.
Other names: c.601C>T, p.Gln201Ter (NM_001351834.2); c.601C>T (NM_000051.1); short protein forms Q201*.
Identifiers: ClinVar variation 265611 (VCV000265611.29), dbSNP rs886039666, ClinGen allele CA10588488.

ClinVar aggregate classification (germline): Pathogenic/Likely pathogenic. Review status: criteria provided, multiple submitters, no conflicts (2 of 4 stars). 13 submissions from 12 submitters: Pathogenic (11); Likely pathogenic (1). 1 of the submissions does not count toward it. Last evaluated 2026-05-01.

Conditions:
ATM-related cancer predisposition. Also called: ATM-related cancer susceptibility. Identifiers: MedGen CN377759, MONDO:0700270.
Hereditary cancer-predisposing syndrome. Also called: Tumor predisposition; Hereditary Cancer Syndrome; Neoplastic Syndromes, Hereditary; Hereditary neoplastic syndrome. Identifiers: Orphanet 140162, MedGen C0027672, MeSH D009386, MONDO:0015356.
Ataxia-telangiectasia syndrome (AT). Also called: Ataxia-telangiectasia; Ataxia-telangiectasia, complementation group E; Ataxia-telangiectasia, complementation group D; AT, COMPLEMENTATION GROUP C; LOUIS-BAR SYNDROME; Ataxia telangiectasia (A-T). Identifiers: Orphanet 100, MedGen C0004135, MONDO:0008840, OMIM 208900.
Familial cancer of breast. Also called: BREAST CANCER, FAMILIAL; Hereditary breast cancer; hereditary breast carcinoma. Identifiers: Orphanet 227535, MedGen C0346153, MONDO:0016419, OMIM 114480. Disease mechanism: loss of function.
Endometrial carcinoma. Also called: Endometrial carcinoma, somatic. Identifiers: MedGen C0476089, MONDO:0002447, OMIM 608089, HP:0012114.

Submissions (13):

CeGaT Center for Human Genetics Tuebingen
Classification: Pathogenic. Last evaluated: 2026-05-01. Review status: criteria provided, single submitter. Criteria: CeGaT Center For Human Genetics Tuebingen Variant Classification Criteria Version 2. Collection method: clinical testing. Allele origin: germline. Affected: yes. Observed: 1 variant allele.
Comment: ATM: PVS1, PM2, PM3:Supporting

Labcorp Genetics (formerly Invitae), Labcorp
Classification: Pathogenic for Ataxia-telangiectasia syndrome. Last evaluated: 2026-01-25. Review status: criteria provided, single submitter. Criteria: Invitae Variant Classification Sherloc (09022015). Collection method: clinical testing. Allele origin: germline.
Comment: This sequence change creates a premature translational stop signal (p.Gln201*) in the ATM gene. It is expected to result in an absent or disrupted protein product. Loss-of-function variants in ATM are known to be pathogenic (PMID: 23807571, 25614872). This variant is not present in population databases (gnomAD no frequency). This variant has not been reported in the literature in individuals affected with ATM-related conditions. ClinVar contains an entry for this variant (Variation ID: 265611). RNA analysis performed to evaluate the impact of this premature translational stop signal on mRNA splicing indicates it does not significantly alter splicing (internal data). For these reasons, this variant has been classified as Pathogenic.

Ambry Genetics
Classification: Pathogenic for Hereditary cancer-predisposing syndrome. Last evaluated: 2025-01-22. Review status: criteria provided, single submitter. Criteria: Ambry Variant Classification Scheme 2023. Collection method: clinical testing. Allele origin: germline.
Comment: The p.Q201* pathogenic mutation (also known as c.601C>T), located in coding exon 5 of the ATM gene, results from a C to T substitution at nucleotide position 601. This changes the amino acid from a glutamine to a stop codon within coding exon 5. This variant is considered to be rare based on population cohorts in the Genome Aggregation Database (gnomAD). This alteration is expected to result in loss of function by premature protein truncation or nonsense-mediated mRNA decay. As such, this alteration is interpreted as a disease-causing mutation.

Department of Human Genetics, Hannover Medical School
Classification: Pathogenic for Familial cancer of breast. Last evaluated: 2024-09-23. Review status: criteria provided, single submitter. Criteria: ACMG Guidelines, 2015. Collection method: clinical testing. Allele origin: germline. Inheritance: Autosomal dominant inheritance. Affected: yes.

Fulgent Genetics
Classification: Likely pathogenic for Familial cancer of breast; Ataxia-telangiectasia syndrome. Last evaluated: 2024-04-02. Review status: criteria provided, single submitter. Criteria: ACMG Guidelines, 2015. Collection method: clinical testing. Allele origin: germline.

Myriad Genetics, Inc.
Classification: Pathogenic for Familial cancer of breast. Last evaluated: 2024-01-09. Review status: criteria provided, single submitter. Criteria: Myriad Autosomal Dominant, Autosomal Recessive and X-Linked Classification Criteria (2023). Collection method: clinical testing. Allele origin: unknown.
Comment: This variant is considered pathogenic. This variant creates a termination codon and is predicted to result in premature protein truncation.

Baylor Genetics
Classification: Pathogenic for Familial cancer of breast. Last evaluated: 2023-12-06. Review status: criteria provided, single submitter. Criteria: ACMG Guidelines, 2015. Collection method: clinical testing. Allele origin: unknown.

Department of Pathology and Laboratory Medicine, Sinai Health System
Classification: Pathogenic for ATM-related cancer predisposition. Last evaluated: 2022-10-27. Review status: criteria provided, single submitter. Criteria: ACMG Guidelines, 2015. Collection method: clinical testing. Allele origin: germline. Affected: no.

GeneDx
Classification: Pathogenic. Last evaluated: 2022-07-05. Review status: criteria provided, single submitter. Criteria: GeneDx Variant Classification Process June 2021. Collection method: clinical testing. Allele origin: germline. Affected: yes.
Comment: Nonsense variant predicted to result in protein truncation or nonsense mediated decay in a gene for which loss-of-function is a known mechanism of disease; Not observed at significant frequency in large population cohorts (gnomAD); Has not been previously published as pathogenic or benign to our knowledge

Women's Health and Genetics/Laboratory Corporation of America, LabCorp
Classification: Pathogenic for Ataxia-telangiectasia syndrome. Last evaluated: 2022-05-24. Review status: criteria provided, single submitter. Criteria: LabCorp Variant Classification Summary - May 2015. Collection method: clinical testing. Allele origin: germline.
Comment: Variant summary: ATM c.601C>T (p.Gln201X) results in a premature termination codon, predicted to cause a truncation of the encoded protein or absence of the protein due to nonsense mediated decay, which are commonly known mechanisms for disease. Truncations downstream of this position have been classified as pathogenic by our laboratory. The variant was absent in 251058 control chromosomes. c.601C>T has been reported in the literature in compound heterozygosity with another pathogenic variant (c.748C>T) in an individual affected with Ataxia-Telangiectasia (Maciejczyk_2019). To our knowledge, no experimental evidence demonstrating an impact on protein function has been reported. Four clinical diagnostic laboratories have submitted clinical-significance assessments for this variant to ClinVar after 2014 without evidence for independent evaluation. All laboratories classified the variant as pathogenic. Based on the evidence outlined above, the variant was classified as pathogenic.

Color Diagnostics, LLC DBA Color Health
Classification: Pathogenic for Hereditary cancer-predisposing syndrome. Last evaluated: 2020-01-15. Review status: criteria provided, single submitter. Criteria: ACMG Guidelines, 2015. Collection method: clinical testing. Allele origin: germline.
Comment: This variant changes 1 nucleotide in exon 6 of the ATM gene, creating a premature translation stop signal. This variant is expected to result in an absent or non-functional protein product. This variant has not been identified in the general population by the Genome Aggregation Database (gnomAD). Loss of ATM function is a known mechanism of disease. Based on the available evidence, this variant is classified as Pathogenic.

Baylor Genetics
Classification: Pathogenic for Ataxia-telangiectasia syndrome. Review status: criteria provided, single submitter. Criteria: ACMG Guidelines, 2015. Collection method: clinical testing. Allele origin: germline.

CZECANCA consortium
Classification: Pathogenic for Endometrial carcinoma. Last evaluated: 2023-02-21. Review status: no assertion criteria provided. Collection method: clinical testing. Allele origin: germline. Affected: yes. Observed: 1 variant allele. Not counted in ClinVar's aggregate classification.

Literature cited by the submitters: PubMed 23807571 (cited by Labcorp Genetics (formerly Invitae), Labcorp); PubMed 25614872 (cited by Labcorp Genetics (formerly Invitae), Labcorp); PubMed 31611883 (cited by Ambry Genetics and Women's Health and Genetics/Laboratory Corporation of America, LabCorp).